The following is an entry in ClinVar:

NM_001177701.3(IFT27):c.34+2T>C

Gene: IFT27 (intraflagellar transport 27; minus strand). Cytogenetic location: 22q12.3.
Variant type: single nucleotide variant.
Coding change: c.34+2T>C on transcript NM_001177701.3 (MANE Select); the canonical splice donor site of the intron after coding-DNA position 34, T replaced by C.
Molecular consequence: splice donor variant.
Genome position (GRCh38, 1-based): chr22:36,775,672, A>G on the plus strand (T>C on the coding strand, the complement: IFT27 is on the minus strand). VCF-style: chr22-36775672-A-G. GRCh37 (hg19) VCF-style: chr22-37171716-A-G.
Other names: c.34+2T>C (NM_001363003.2, NM_006860.5).
Identifiers: ClinVar variation 4730026 (VCV004730026.1).

ClinVar aggregate classification (germline): Likely pathogenic (1 of 4 stars; one submission).

Submission:

Labcorp Genetics (formerly Invitae), Labcorp
Classification: Likely pathogenic. Last evaluated: 2025-11-04. Review status: criteria provided, single submitter. Criteria: Invitae Variant Classification Sherloc (09022015). Collection method: clinical testing. Allele origin: germline.
Comment: This sequence change affects a donor splice site in intron 1 of the IFT27 gene. It is expected to disrupt RNA splicing. Variants that disrupt the donor or acceptor splice site typically lead to a loss of protein function (PMID: 16199547), and loss-of-function variants in IFT27 are known to be pathogenic (PMID: 24488770, 25446516). This variant is not present in population databases (gnomAD no frequency). This variant has not been reported in the literature in individuals affected with IFT27-related conditions. Algorithms developed to predict the effect of sequence changes on RNA splicing suggest that this variant may disrupt the consensus splice site. In summary, the currently available evidence indicates that the variant is pathogenic, but additional data are needed to prove that conclusively. Therefore, this variant has been classified as Likely Pathogenic.

Literature cited by the submitters: PubMed 16199547; PubMed 24488770; PubMed 25446516.